The following is an entry in ClinVar:

ClinVar aggregate classification (germline): Uncertain significance (1 of 4 stars; one submission).

Conditions:
Pseudo-Hurler polydystrophy. Also called: MUCOLIPIDOSIS IIIA; ML III; ML III ALPHA/BETA; Type III Mucolipidosis; ML IIIA; Mucolipidosis III Alpha/Beta. Identifiers: Orphanet 423461, Orphanet 577, MedGen C0033788, MONDO:0018931, OMIM 252600.
Mucolipidosis type II. Also called: Mucolipidosis II Alpha/Beta; ML II ALPHA/BETA; Mucolipidosis 2; ML 2; Inclusion cell disease; Leroy Disease. Identifiers: Orphanet 576, MedGen C2673377, MONDO:0009650, OMIM 252500.

Submission:

Labcorp Genetics (formerly Invitae), Labcorp
Classification: Uncertain significance for Pseudo-Hurler polydystrophy; Mucolipidosis type II. Last evaluated: 2022-09-27. Review status: criteria provided, single submitter. Criteria: Invitae Variant Classification Sherloc (09022015). Collection method: clinical testing. Allele origin: germline.
Comment: In summary, the available evidence is currently insufficient to determine the role of this variant in disease. Therefore, it has been classified as a Variant of Uncertain Significance. Advanced modeling of protein sequence and biophysical properties (such as structural, functional, and spatial information, amino acid conservation, physicochemical variation, residue mobility, and thermodynamic stability) performed at Invitae indicates that this missense variant is not expected to disrupt GNPTAB protein function. This variant has not been reported in the literature in individuals affected with GNPTAB-related conditions. This variant is not present in population databases (gnomAD no frequency). This sequence change replaces histidine, which is basic and polar, with glutamine, which is neutral and polar, at codon 554 of the GNPTAB protein (p.His554Gln).

NM_024312.5(GNPTAB):c.1662C>G (p.His554Gln)

Gene: GNPTAB (N-acetylglucosamine-1-phosphate transferase subunits alpha and beta; minus strand). Cytogenetic location: 12q23.2.
Variant type: single nucleotide variant.
Coding change: c.1662C>G on transcript NM_024312.5 (MANE Select); coding-DNA position 1662, C replaced by G.
Protein change: p.His554Gln; replaces histidine 554 with glutamine.
Molecular consequence: missense variant.
Genome position (GRCh38, 1-based): chr12:101,765,255, G>C on the plus strand (C>G on the coding strand, the complement: GNPTAB is on the minus strand). VCF-style: chr12-101765255-G-C. GRCh37 (hg19) VCF-style: chr12-102159033-G-C.
Other names: short protein forms H554Q.
Identifiers: ClinVar variation 1943972 (VCV001943972.5), dbSNP rs146177204, ClinGen allele CA386300086.